The following is an entry in ClinVar:

NM_021930.6(RINT1):c.178A>T (p.Ile60Leu)

Gene: RINT1 (RAD50 interactor 1; plus strand). Cytogenetic location: 7q22.3.
Variant type: single nucleotide variant.
Coding change: c.178A>T on transcript NM_021930.6 (MANE Select); coding-DNA position 178, A replaced by T.
Protein change: p.Ile60Leu; replaces isoleucine 60 with leucine.
Molecular consequence: missense variant. On other transcripts: intron variant (1), 5 prime UTR variant (3), non-coding transcript variant (1).
Genome position (GRCh38, 1-based): chr7:105,536,654, A>T. VCF-style: chr7-105536654-A-T. GRCh37 (hg19) VCF-style: chr7-105177101-A-T.
Other names: c.39+42A>T (NM_001346599.2); c.-842A>T (NM_001346600.2); c.-745A>T (NM_001346601.2); c.-365A>T (NM_001346603.2); short protein forms I60L.
Identifiers: ClinVar variation 5028251 (VCV005028251.1).

ClinVar aggregate classification (germline): Uncertain significance (1 of 4 stars; one submission).

gnomAD v4.1: 1 of 1,612,954 alleles (0.000062%); highest among the groups gnomAD compares: East Asian, 0.0022%; no homozygotes.

Submission:

Ambry Genetics
Classification: Uncertain significance. Last evaluated: 2026-09-08. Review status: criteria provided, single submitter. Criteria: Ambry Variant Classification Scheme 2023. Collection method: clinical testing. Allele origin: germline.
Comment: The p.I60L variant (also known as c.178A>T), located in coding exon 3 of the RINT1 gene, results from an A to T substitution at nucleotide position 178. The isoleucine at codon 60 is replaced by leucine, an amino acid with highly similar properties. This amino acid position is conserved. In addition, this alteration is predicted to be tolerated by in silico analysis. Based on the available evidence, the clinical significance of this variant remains unclear.